The following is an entry in ClinVar:

NM_024422.6(DSC2):c.304G>A (p.Glu102Lys)

Gene: DSC2 (desmocollin 2; minus strand). Cytogenetic location: 18q12.1.
Variant type: single nucleotide variant.
Coding change: c.304G>A on transcript NM_024422.6 (MANE Select); coding-DNA position 304, G replaced by A.
Protein change: p.Glu102Lys; replaces glutamic acid 102 with lysine.
Molecular consequence: missense variant.
Genome position (GRCh38, 1-based): chr18:31,092,151, C>T on the plus strand (G>A on the coding strand, the complement: DSC2 is on the minus strand). VCF-style: chr18-31092151-C-T. GRCh37 (hg19) VCF-style: chr18-28672114-C-T.
Other names: p.E102K:GAG>AAG; c.304G>A, p.Glu102Lys (NM_004949.5); short protein forms E102K.
Identifiers: ClinVar variation 46189 (VCV000046189.80), dbSNP rs144799937, ClinGen allele CA022786.

ClinVar aggregate classification (germline): Conflicting classifications of pathogenicity. Review status: criteria provided, conflicting classifications (1 of 4 stars). 20 submissions from 20 submitters: Uncertain significance (4); Likely benign (12). 4 of the submissions do not count toward it. Last evaluated 2026-09-01.

Conditions:
DSC2-related disorder. Also called: DSC2-related condition.
Cardiovascular phenotype. Identifiers: MedGen CN230736.
Familial isolated arrhythmogenic right ventricular dysplasia. Identifiers: Orphanet 217656, MedGen C4274968, MONDO:0016342.
Arrhythmogenic right ventricular cardiomyopathy (ARVD). Also called: Arrhythmogenic Right Ventricular Cardiomyopathy (ARVC); Cardiomyopathy, ARVC; Arrhythmogenic right ventricular dysplasia; Arrhythmogenic cardiomyopathy. Identifiers: Orphanet 247, MedGen C0349788, MeSH D019571, MONDO:0016587. Disease mechanism: loss of function. Inheritance: Various modes of inheritance.
Cardiomyopathy (CMYO). Also called: Cardiomyopathies. Identifiers: Orphanet 167848, MedGen C0878544, MONDO:0004994, HP:0001638. Inheritance: Various modes of inheritance.
Arrhythmogenic right ventricular dysplasia 11. Also called: Arrhythmogenic right ventricular dysplasia 11 with mild palmoplantar keratoderma and woolly hair; Arrhythmogenic Right Ventricular Dysplasia/Cardiomyopathy11; ARRHYTHMOGENIC RIGHT VENTRICULAR DYSPLASIA, FAMILIAL, 11. Identifiers: MedGen C1864850, MONDO:0012506, OMIM 610476.

Allele frequency attached by ClinVar (database versions not stated): ExAC 0.00074; TOPMed 0.00075; ESP Exome Variant Server 0.00077; gnomAD exomes 0.00078; gnomAD 0.00075 and 0.00070.
gnomAD v4.1: 1,981 of 1,613,078 alleles (0.12%); highest among the groups gnomAD compares: Non-Finnish European, 0.15%; 3 homozygotes.

Submissions 1 to 13 of 20:

CeGaT Center for Human Genetics Tuebingen
Classification: Likely benign. Last evaluated: 2026-09-01. Review status: criteria provided, single submitter. Criteria: CeGaT Center For Human Genetics Tuebingen Variant Classification Criteria Version 2. Collection method: clinical testing. Allele origin: germline. Affected: yes. Observed: 12 variant alleles.
Comment: DSC2: BP4, BS2

Labcorp Genetics (formerly Invitae), Labcorp
Classification: Likely benign for Arrhythmogenic right ventricular dysplasia 11. Last evaluated: 2026-01-26. Review status: criteria provided, single submitter. Criteria: Invitae Variant Classification Sherloc (09022015). Collection method: clinical testing. Allele origin: germline.

Mayo Clinic Laboratories, Mayo Clinic
Classification: Likely benign. Last evaluated: 2025-10-09. Review status: criteria provided, single submitter. Criteria: ACMG Guidelines, 2015. Collection method: clinical testing. Allele origin: germline. Observed: 2 variant alleles.
Comment: BS1, BP4

Molecular Diagnostic Laboratory for Inherited Cardiovascular Disease, Montreal Heart Institute
Classification: Uncertain significance for Cardiovascular phenotype. Last evaluated: 2025-04-09. Review status: criteria provided, single submitter. Criteria: ACMG Guidelines, 2015. Collection method: clinical testing. Allele origin: germline. Affected: yes.
Comment: PS4_mod;PS3_supp;BS1;BP5

Blueprint Genetics
Classification: Likely benign. Last evaluated: 2024-11-14. Review status: criteria provided, single submitter. Criteria: ACMG Guidelines, 2015. Collection method: clinical testing. Allele origin: germline.

All of Us Research Program, National Institutes of Health
Classification: Likely benign for Familial isolated arrhythmogenic right ventricular dysplasia. Last evaluated: 2024-09-23. Review status: criteria provided, single submitter. Criteria: ACMG Guidelines, 2015. Collection method: clinical testing. Allele origin: germline. Inheritance: Autosomal dominant inheritance. Observed: 356 variant alleles, 355 heterozygotes, 1 homozygote.
Comment: This study involves interpretation of variants in research participants for the purpose of population health screening. Participant phenotype was not available at the time of variant classification. Additional details can be found in publication PMID: 35346344, PMCID: PMC8962531

Laboratory for Molecular Medicine, Mass General Brigham Personalized Medicine
Classification: Likely benign. Last evaluated: 2023-09-21. Review status: criteria provided, single submitter. Criteria: ACMG Guidelines, 2015. Collection method: clinical testing. Allele origin: germline.
Comment: The p.Glu102Lys variant in DSC2 is classified as likely benign because it has been identified in 0.1% (164/128778) of European chromosomes and 0.2% (22/10356) of Ashkenazi Jewish chromosomes by gnomAD, which is higher than the maximal expected allele frequency for a pathogenic variant in DSC2. Glutamic acid (Glu) at position 102 is not conserved in mammals or evolutionarily distant species and 1 mammal (pika) carries a lysine (Lys) at this position, raising the possibility that this change may be tolerated. Additional computational prediction tools also suggest that the p.Glu102Lys variant may not impact the protein. ACMG/AMP Criteria applied: BS1, BP4.

CHEO Genetics Diagnostic Laboratory, Children's Hospital of Eastern Ontario
Classification: Likely benign for Cardiomyopathy. Last evaluated: 2022-10-31. Review status: criteria provided, single submitter. Criteria: ACMG Guidelines, 2015. Collection method: clinical testing. Allele origin: germline.

GeneDx
Classification: Likely benign. Last evaluated: 2020-10-21. Review status: criteria provided, single submitter. Criteria: GeneDx Variant Classification Process June 2021. Collection method: clinical testing. Allele origin: germline. Affected: yes.
Comment: This variant is associated with the following publications: (PMID: 21606390, 23299917, 25637381, 25569433, 17963498, 26310507, 20197793, 23147450, 23396983, 27301361, 28798025, 29802319, 31568572, 31402444)

Women's Health and Genetics/Laboratory Corporation of America, LabCorp
Classification: Likely benign. Last evaluated: 2019-10-08. Review status: criteria provided, single submitter. Criteria: LabCorp Variant Classification Summary - May 2015. Collection method: clinical testing. Allele origin: germline.
Comment: Variant summary: DSC2 c.304G>A (p.Glu102Lys) results in a conservative amino acid change located in the Cadherin prodomain (IPR014868) of the enoded protein sequence. Five of five in-silico tools predict a benign effect of the variant on protein function. The variant allele was found at a frequency of 0.00078 in 251372 control chromosomes, predominantly at a frequency of 0.0013 within the Non-Finnish European and 0.0022in the Ashkenazi Jewish subpopulation in the gnomAD database. The observed variant frequency within Non-Finnish European and Ashkenazi Jewish control individuals in the gnomAD database is approximately 8- and 13- fold higher (respectively) than the estimated maximal expected allele frequency for a pathogenic variant in DSC2 causing Arrhythmogenic Right Ventricular Dysplasia/Cardiomyopathy (ARVD) phenotype (0.00016), strongly suggesting that the variant is a benign polymorphism. Though the variant, c.304G>A, has been reported in the literature in individuals affected with ARVD (Beffagna_2007, Quarta_2011, Anastasakis_2012), it has also been detected in unaffected family members (Beffagna_2007, Anastasakis_2012). The variant has also been detected in individuals affected with other cardiomyopathies (hypertrophic cardiomyopathy; Lopes_2012 and left-ventricular non-compaction; Miszalski-Jamka_2017), as well as healthy control populations (Andereasen_2013, Amendola_2015, Hall_2018). One publication reported experimental evidence evaluating an impact on protein function, and indicated that the variant may disrupt localization of the protein to the plasma membrane, however, this study does not allow convincing conclusions about the variant effect (Beffagna_2007). Nine clinical diagnostic laboratories have submitted clinical-significance assessments for this variant to ClinVar after 2014 without evidence for independent evaluation. Multiple laboratories reported the variant with conflicting assessments (6 laboratories cited the variant as likely benign, while 3 cited the variant as VUS). Based on the evidence outlined above, the variant was classified as likely benign.

Ambry Genetics
Classification: Likely benign for Cardiovascular phenotype. Last evaluated: 2018-09-19. Review status: criteria provided, single submitter. Criteria: Ambry Variant Classification Scheme 2023. Collection method: clinical testing. Allele origin: germline.

Color Diagnostics, LLC DBA Color Health
Classification: Likely benign for Cardiomyopathy. Last evaluated: 2018-08-06. Review status: criteria provided, single submitter. Criteria: ACMG Guidelines, 2015. Collection method: clinical testing. Allele origin: germline.
Comment: Likely Benign based on current evidence: This missense variant is located in the N-terminal propeptide sequence of the DSC2 protein. Computational prediction tools and conservation analyses suggest that this variant may not impact the protein function. Computational splicing tools suggest that this variant may not impact the RNA splicing. An experimental study has shown that this variant may cause the protein to localize to the cytoplasm in addition to the cell-cell junction (PMID: 17963498). However, biological significance of this finding is unknown. This variant has been reported in individuals with arrhythmogenic, dilated and hypertrophic cardiomyopathy (PMID: 17963498, 20197793, 21606390, 23147450, 23396983) but has also been detected in unaffected family members (PMID: 17963498, 23147450). This variant is common in the general population and has been identified in 156/126324 non-Finnish European chromosomes (0.12%) and 21/10134 Ashkenazi Jewish chromosomes (0.21%) by the Genome Aggregation Database (gnomAD). This variant allele frequency is greater than expected for the disorder based on prevalence, penetrance, and genetic heterogeneity. Based on collective evidence, this variant is classified as Likely Benign.

Genome Diagnostics Laboratory, University Medical Center Utrecht
Classification: Likely benign for Arrhythmogenic right ventricular dysplasia 11. Last evaluated: 2017-07-28. Review status: criteria provided, single submitter. Criteria: ACGS Guidelines, 2013. Collection method: clinical testing. Allele origin: germline. Affected: yes. Study: VKGL Data-share Consensus.